The following is an entry in ClinVar:

NM_001378615.1(CC2D2A):c.2486+1G>A

Genes: FBXL5 (F-box and leucine rich repeat protein 5; minus strand), CC2D2A (coiled-coil and C2 domain containing 2A; plus strand). Cytogenetic location: 4p15.32.
Variant type: single nucleotide variant.
Coding change: c.2486+1G>A on transcript NM_001378615.1 (MANE Select); the canonical splice donor site of the intron after coding-DNA position 2486, G replaced by A.
Molecular consequence: splice donor variant.
Genome position (GRCh38, 1-based): chr4:15,553,306, G>A. VCF-style: chr4-15553306-G-A. GRCh37 (hg19) VCF-style: chr4-15554929-G-A.
Other names: c.2486+1G>A (NM_001080522.2); c.2339+1G>A (NM_001378617.1).
Identifiers: ClinVar variation 2931771 (VCV002931771.5), dbSNP rs386833747, ClinGen allele CA356419757.

ClinVar aggregate classification (germline): Likely pathogenic. Review status: criteria provided, multiple submitters, no conflicts (2 of 4 stars). 3 submissions from 3 submitters: Likely pathogenic (3). Last evaluated 2025-12-21.

Conditions:
Joubert syndrome. Also called: JOUBERT-BOLTSHAUSER SYNDROME; Familial aplasia of the vermis. Identifiers: Orphanet 475, MedGen C5979921, MONDO:0018772.
Meckel-Gruber syndrome. Also called: DYSENCEPHALIA SPLANCHNOCYSTICA; GRUBER SYNDROME; Dysencephalia splachnocystica. Identifiers: Orphanet 564, MedGen C0265215, MONDO:0018921.
CC2D2A-related disorder. Also called: CC2D2A-related condition; CC2D2A-related disorders. Identifiers: MedGen CN239313.

Allele frequency attached by ClinVar (database versions not stated): TOPMed 0.00001.
gnomAD v4.1: 22 of 1,611,668 alleles (0.0014%); highest among the groups gnomAD compares: Non-Finnish European, 0.0016%; no homozygotes.

Submissions (3):

Labcorp Genetics (formerly Invitae), Labcorp
Classification: Likely pathogenic for Joubert syndrome; Meckel-Gruber syndrome. Last evaluated: 2025-12-21. Review status: criteria provided, single submitter. Criteria: Invitae Variant Classification Sherloc (09022015). Collection method: clinical testing. Allele origin: germline.
Comment: This sequence change affects a donor splice site in intron 20 of the CC2D2A gene. It is expected to disrupt RNA splicing. Variants that disrupt the donor or acceptor splice site typically lead to a loss of protein function (PMID: 16199547), and loss-of-function variants in CC2D2A are known to be pathogenic (PMID: 19777577). This variant is not present in population databases (gnomAD no frequency). Disruption of this splice site has been observed in individual(s) with Meckel-Gruber syndrome (PMID: 19777577). ClinVar contains an entry for this variant (Variation ID: 2931771). Algorithms developed to predict the effect of sequence changes on RNA splicing suggest that this variant may disrupt the consensus splice site. In summary, the currently available evidence indicates that the variant is pathogenic, but additional data are needed to prove that conclusively. Therefore, this variant has been classified as Likely Pathogenic.

PreventionGenetics, part of Exact Sciences
Classification: Likely pathogenic for CC2D2A-related condition. Last evaluated: 2025-08-20. Review status: criteria provided, single submitter. Criteria: ACMG Guidelines, 2015. Collection method: clinical testing. Allele origin: germline.
Comment: The CC2D2A c.2486+1G>A variant is predicted to disrupt the GT donor site and interfere with normal splicing. To our knowledge, this variant has not been reported in the literature or in a large population database, indicating this variant is rare. Variants that disrupt the consensus splice donor site in CC2D2A are expected to be pathogenic. This variant is interpreted as likely pathogenic.

Blueprint Genetics
Classification: Likely pathogenic for CC2D2A-related disorders. Last evaluated: 2022-08-21. Review status: criteria provided, single submitter. Criteria: ACMG Guidelines, 2015. Collection method: clinical testing. Allele origin: germline. Affected: yes. Observed: 3 variant alleles.

Literature cited by the submitters: PubMed 16199547 (cited by Labcorp Genetics (formerly Invitae), Labcorp); PubMed 19777577 (cited by Labcorp Genetics (formerly Invitae), Labcorp).